The following is an entry in ClinVar:

NM_001018005.2(TPM1):c.112C>G (p.Gln38Glu)

Gene: TPM1 (tropomyosin 1; plus strand). Cytogenetic location: 15q22.2.
Variant type: single nucleotide variant.
Coding change: c.112C>G on transcript NM_001018005.2 (MANE Select); coding-DNA position 112, C replaced by G.
Protein change: p.Gln38Glu; replaces glutamine 38 with glutamic acid.
Molecular consequence: missense variant.
Genome position (GRCh38, 1-based): chr15:63,042,941, C>G. VCF-style: chr15-63042941-C-G. GRCh37 (hg19) VCF-style: chr15-63335140-C-G.
Other names: c.112C>G, p.Gln38Glu (NM_000366.6, NM_001018004.2, NM_001018006.2 and 7 more transcripts); short protein forms Q38E.
Identifiers: ClinVar variation 408132 (VCV000408132.11), dbSNP rs1060501863, ClinGen allele CA16614859.

ClinVar aggregate classification (germline): Uncertain significance. Review status: criteria provided, multiple submitters, no conflicts (2 of 4 stars). 2 submissions from 2 submitters: Uncertain significance (2). Last evaluated 2025-06-18.

Conditions:
Cardiomyopathy (CMYO). Also called: Cardiomyopathies. Identifiers: Orphanet 167848, MedGen C0878544, MONDO:0004994, HP:0001638. Inheritance: Various modes of inheritance.
Hypertrophic cardiomyopathy. Also called: HYPERTROPHIC MYOCARDIOPATHY. Identifiers: Orphanet 217569, MedGen C0007194, MeSH D002312, MONDO:0005045, HP:0001639.

Submissions (2):

Color Diagnostics, LLC DBA Color Health
Classification: Uncertain significance for Cardiomyopathy. Last evaluated: 2025-06-18. Review status: criteria provided, single submitter. Criteria: ACMG Guidelines, 2015. Collection method: clinical testing. Allele origin: germline.
Comment: This missense variant replaces glutamine with glutamic acid at codon 38 of the TPM1 protein. Computational prediction suggests that this variant may not impact protein structure and function. To our knowledge, functional studies have not been reported for this variant. This variant has not been reported in individuals affected with TPM1-related disorders in the literature. This variant has not been identified in the general population by the Genome Aggregation Database (gnomAD). The available evidence is insufficient to determine the role of this variant in disease conclusively. Therefore, this variant is classified as a Variant of Uncertain Significance.

Labcorp Genetics (formerly Invitae), Labcorp
Classification: Uncertain significance for Hypertrophic cardiomyopathy. Last evaluated: 2025-02-04. Review status: criteria provided, single submitter. Criteria: Invitae Variant Classification Sherloc (09022015). Collection method: clinical testing. Allele origin: germline.
Comment: This sequence change replaces glutamine, which is neutral and polar, with glutamic acid, which is acidic and polar, at codon 38 of the TPM1 protein (p.Gln38Glu). This variant is not present in population databases (gnomAD no frequency). This variant has not been reported in the literature in individuals affected with TPM1-related conditions. ClinVar contains an entry for this variant (Variation ID: 408132). An algorithm developed to predict the effect of missense changes on protein structure and function (PolyPhen-2) suggests that this variant is likely to be tolerated. Algorithms developed to predict the effect of sequence changes on RNA splicing suggest that this variant may disrupt the consensus splice site. In summary, the available evidence is currently insufficient to determine the role of this variant in disease. Therefore, it has been classified as a Variant of Uncertain Significance.